The following is an entry in ClinVar:

ClinVar aggregate classification (germline): Uncertain significance (1 of 4 stars; one submission).

Allele frequency attached by ClinVar (database versions not stated): gnomAD exomes below 0.00001.

Submission:

Labcorp Genetics (formerly Invitae), Labcorp
Classification: Uncertain significance. Last evaluated: 2024-02-06. Review status: criteria provided, single submitter. Criteria: Invitae Variant Classification Sherloc (09022015). Collection method: clinical testing. Allele origin: germline.
Comment: This sequence change replaces glutamine, which is neutral and polar, with lysine, which is basic and polar, at codon 333 of the COL9A2 protein (p.Gln333Lys). This variant is not present in population databases (gnomAD no frequency). This variant has not been reported in the literature in individuals affected with COL9A2-related conditions. ClinVar contains an entry for this variant (Variation ID: 2107288). Advanced modeling of protein sequence and biophysical properties (such as structural, functional, and spatial information, amino acid conservation, physicochemical variation, residue mobility, and thermodynamic stability) performed at Invitae indicates that this missense variant is not expected to disrupt COL9A2 protein function with a negative predictive value of 95%. In summary, the available evidence is currently insufficient to determine the role of this variant in disease. Therefore, it has been classified as a Variant of Uncertain Significance.

NM_001852.4(COL9A2):c.997C>A (p.Gln333Lys)

Gene: COL9A2 (collagen type IX alpha 2 chain; minus strand). Cytogenetic location: 1p34.2.
Variant type: single nucleotide variant.
Coding change: c.997C>A on transcript NM_001852.4 (MANE Select); coding-DNA position 997, C replaced by A.
Protein change: p.Gln333Lys; replaces glutamine 333 with lysine.
Molecular consequence: missense variant.
Genome position (GRCh38, 1-based): chr1:40,307,457, G>T on the plus strand (C>A on the coding strand, the complement: COL9A2 is on the minus strand). VCF-style: chr1-40307457-G-T. GRCh37 (hg19) VCF-style: chr1-40773129-G-T.
Other names: short protein forms Q333K.
Identifiers: ClinVar variation 2107288 (VCV002107288.4), dbSNP rs2522522851, ClinGen allele CA339852311.
Genomic context (GRCh38, chr1:40,307,457, plus strand): 5'-ATCAGCCACTAGCCCCTGGCCAGCCCCTGTGGCTCCACCTGACACTTACCGCTAGGCCCT[G>T]GTGGCCTGGACTTCCGGGCTGTCCCGCCTGTCCTGCACTGCCCTGGGATAGACAGATAAC-3'
Protein context (NP_001843.1, residues 323-343): QAGQPGSPGH[Gln333Lys]GLAGVPGQPG